The following is an entry in ClinVar:

ClinVar aggregate classification (germline): Uncertain significance. Review status: criteria provided, multiple submitters, no conflicts (2 of 4 stars). 2 submissions from 2 submitters: Uncertain significance (2). Last evaluated 2022-09-01.

Conditions:
Xeroderma pigmentosum group B. Also called: XPB/CS; XERODERMA PIGMENTOSUM B/COCKAYNE SYNDROME; ERCC3-Related Xeroderma Pigmentosum; XP, GROUP B. Identifiers: MedGen C0268136, MONDO:0012531, OMIM 610651.

Allele frequency attached by ClinVar (database versions not stated): gnomAD exomes 0.00002 and 0.00004; ExAC 0.00003; gnomAD 0.00009; TOPMed 0.00010.
gnomAD v4.1: 75 of 1,613,864 alleles (0.0046%); highest among the groups gnomAD compares: African/African-American, 0.025%; no homozygotes.

Submissions (2):

Labcorp Genetics (formerly Invitae), Labcorp
Classification: Uncertain significance. Last evaluated: 2022-09-01. Review status: criteria provided, single submitter. Criteria: Invitae Variant Classification Sherloc (09022015). Collection method: clinical testing. Allele origin: germline.
Comment: This sequence change replaces arginine, which is basic and polar, with cysteine, which is neutral and slightly polar, at codon 360 of the ERCC3 protein (p.Arg360Cys). This variant is present in population databases (rs754010782, gnomAD 0.02%). This variant has not been reported in the literature in individuals affected with ERCC3-related conditions. ClinVar contains an entry for this variant (Variation ID: 331084). Algorithms developed to predict the effect of missense changes on protein structure and function are either unavailable or do not agree on the potential impact of this missense change (SIFT: "Deleterious"; PolyPhen-2: "Probably Damaging"; Align-GVGD: "Class C0"). In summary, the available evidence is currently insufficient to determine the role of this variant in disease. Therefore, it has been classified as a Variant of Uncertain Significance.

Illumina Laboratory Services, Illumina
Classification: Uncertain significance for Xeroderma pigmentosum group B. Last evaluated: 2018-01-13. Review status: criteria provided, single submitter. Criteria: ICSL Variant Classification Criteria 13 December 2019. Collection method: clinical testing. Allele origin: germline.

NM_000122.2(ERCC3):c.1078C>T (p.Arg360Cys)

Gene: ERCC3 (ERCC excision repair 3, TFIIH core complex helicase subunit; minus strand). Cytogenetic location: 2q14.3.
Variant type: single nucleotide variant.
Coding change: c.1078C>T on transcript NM_000122.2 (MANE Select); coding-DNA position 1078, C replaced by T.
Protein change: p.Arg360Cys; replaces arginine 360 with cysteine.
Molecular consequence: missense variant.
Genome position (GRCh38, 1-based): chr2:127,286,967, G>A on the plus strand (C>T on the coding strand, the complement: ERCC3 is on the minus strand). VCF-style: chr2-127286967-G-A. GRCh37 (hg19) VCF-style: chr2-128044543-G-A.
Other names: c.886C>T, p.Arg296Cys (NM_001303416.2, NM_001303418.2); short protein forms R360C, R296C.
Identifiers: ClinVar variation 331084 (VCV000331084.8), dbSNP rs754010782, ClinGen allele CA1858359.